The following is an entry in ClinVar:

ClinVar aggregate classification (germline): Uncertain significance. Review status: criteria provided, multiple submitters, no conflicts (2 of 4 stars). 2 submissions from 2 submitters: Uncertain significance (2). Last evaluated 2025-05-11.

Conditions:
Arrhythmogenic right ventricular dysplasia 9 (ARVD9). Also called: ARRHYTHMOGENIC RIGHT VENTRICULAR DYSPLASIA, FAMILIAL, 9; Arrhythmogenic Right Ventricular Dysplasia/Cardiomyopathy 9. Identifiers: MedGen C1836906, MONDO:0012180, OMIM 609040.
Cardiomyopathy (CMYO). Also called: Cardiomyopathies. Identifiers: Orphanet 167848, MedGen C0878544, MONDO:0004994, HP:0001638. Inheritance: Various modes of inheritance.

Allele frequency attached by ClinVar (database versions not stated): TOPMed below 0.00001; gnomAD exomes 0.00001 and 0.00002.

Submissions (2):

Labcorp Genetics (formerly Invitae), Labcorp
Classification: Uncertain significance for Arrhythmogenic right ventricular dysplasia 9. Last evaluated: 2025-05-11. Review status: criteria provided, single submitter. Criteria: Invitae Variant Classification Sherloc (09022015). Collection method: clinical testing. Allele origin: germline.
Comment: This sequence change replaces serine, which is neutral and polar, with alanine, which is neutral and non-polar, at codon 846 of the PKP2 protein (p.Ser846Ala). This variant is present in population databases (no rsID available, gnomAD 0.01%). This variant has not been reported in the literature in individuals affected with PKP2-related conditions. ClinVar contains an entry for this variant (Variation ID: 926200). An algorithm developed to predict the effect of missense changes on protein structure and function outputs the following: PolyPhen-2: "Benign". The alanine amino acid residue is found in multiple mammalian species, which suggests that this missense change does not adversely affect protein function. In summary, the available evidence is currently insufficient to determine the role of this variant in disease. Therefore, it has been classified as a Variant of Uncertain Significance.

Color Diagnostics, LLC DBA Color Health
Classification: Uncertain significance for Cardiomyopathy. Last evaluated: 2024-03-06. Review status: criteria provided, single submitter. Criteria: ACMG Guidelines, 2015. Collection method: clinical testing. Allele origin: germline.
Comment: This missense variant replaces serine with alanine at codon 846 of the PKP2 protein. Computational prediction suggests that this variant may not impact protein structure and function (internally defined REVEL score threshold <= 0.5, PMID: 27666373). To our knowledge, functional studies have not been reported for this variant. This variant has not been reported in individuals affected with cardiovascular disorders in the literature. This variant has been identified in 4/251442 chromosomes in the general population by the Genome Aggregation Database (gnomAD). The available evidence is insufficient to determine the role of this variant in disease conclusively. Therefore, this variant is classified as a Variant of Uncertain Significance.

NM_001005242.3(PKP2):c.2404T>G (p.Ser802Ala)

Gene: PKP2 (plakophilin 2; minus strand). Cytogenetic location: 12p11.21.
Variant type: single nucleotide variant.
Coding change: c.2404T>G on transcript NM_001005242.3 (MANE Select); coding-DNA position 2404, T replaced by G.
Protein change: p.Ser802Ala; replaces serine 802 with alanine.
Molecular consequence: missense variant.
Genome position (GRCh38, 1-based): chr12:32,792,685, A>C on the plus strand (T>G on the coding strand, the complement: PKP2 is on the minus strand). VCF-style: chr12-32792685-A-C. GRCh37 (hg19) VCF-style: chr12-32945619-A-C.
Other names: c.2536T>G, p.Ser846Ala (NM_004572.4); short protein forms S802A, S846A.
Identifiers: ClinVar variation 926200 (VCV000926200.7), dbSNP rs1183143350, ClinGen allele CA384356915.